The following is an entry in ClinVar:

NM_201384.3(PLEC):c.2341C>T (p.Leu781Phe)

Gene: PLEC (plectin; minus strand). Cytogenetic location: 8q24.3.
Variant type: single nucleotide variant.
Coding change: c.2341C>T on transcript NM_201384.3 (MANE Select); coding-DNA position 2341, C replaced by T.
Protein change: p.Leu781Phe; replaces leucine 781 with phenylalanine.
Molecular consequence: missense variant.
Genome position (GRCh38, 1-based): chr8:143,930,500, G>A on the plus strand (C>T on the coding strand, the complement: PLEC is on the minus strand). VCF-style: chr8-143930500-G-A. GRCh37 (hg19) VCF-style: chr8-145004668-G-A.
Other names: c.2353C>T, p.Leu785Phe (NM_201383.3); c.2422C>T, p.Leu808Phe (NM_000445.5); c.2299C>T, p.Leu767Phe (NM_201378.4); c.2275C>T, p.Leu759Phe (NM_201379.3); c.2752C>T, p.Leu918Phe (NM_201380.4); c.2245C>T, p.Leu749Phe (NM_201381.3); c.2341C>T, p.Leu781Phe (NM_201382.4); short protein forms L781F, L785F, L749F, L759F, L767F, L808F, L918F.
Identifiers: ClinVar variation 1359922 (VCV001359922.8), dbSNP rs782086242, ClinGen allele CA4927564.

ClinVar aggregate classification (germline): Uncertain significance (1 of 4 stars; one submission).

Conditions:
Epidermolysis bullosa simplex 5B, with muscular dystrophy (EBS5B). Also called: Epidermolysis bullosa simplex with muscular dystrophy; EPIDERMOLYSIS BULLOSA SIMPLEX AND LIMB-GIRDLE MUSCULAR DYSTROPHY. Identifiers: Orphanet 257, MedGen C2931072, MONDO:0009181, OMIM 226670.
Epidermolysis bullosa simplex 5C, with pyloric atresia (EBS5C). Also called: Epidermolysis bullosa simplex with pyloric atresia; PLEC-Related Epidermolysis Bullosa with Pyloric Atresia; PLEC1-Related Epidermolysis Bullosa with Pyloric Atresia. Identifiers: Orphanet 158684, MedGen C2677349, MONDO:0012807, OMIM 612138.
Epidermolysis bullosa simplex with nail dystrophy (EBS5D). Identifiers: MedGen C4225309, MONDO:0014661, OMIM 616487.
Autosomal recessive limb-girdle muscular dystrophy type 2Q (LGMDR17). Also called: MUSCULAR DYSTROPHY, LIMB-GIRDLE, AUTOSOMAL RECESSIVE 17. Identifiers: Orphanet 254361, MedGen C3150989, MONDO:0013390, OMIM 613723.
Epidermolysis bullosa simplex, Ogna type (EBS5A). Also called: Pidermolysis bullosa simplex 5A, Ogna type; EPIDERMOLYSIS BULLOSA SIMPLEX 5A, OGNA TYPE. Identifiers: Orphanet 79401, MedGen C0432317, MONDO:0007555, OMIM 131950.

Allele frequency attached by ClinVar (database versions not stated): gnomAD exomes 0.00002 and 0.00010; ExAC 0.00014.
gnomAD v4.1: 23 of 1,597,002 alleles (0.0014%); highest among the groups gnomAD compares: Admixed American, 0.04%; no homozygotes.

Submission:

Labcorp Genetics (formerly Invitae), Labcorp
Classification: Uncertain significance for Autosomal recessive limb-girdle muscular dystrophy type 2Q; Epidermolysis bullosa simplex, Ogna type; Epidermolysis bullosa simplex with nail dystrophy; Epidermolysis bullosa simplex 5C, with pyloric atresia; Epidermolysis bullosa simplex 5B, with muscular dystrophy. Last evaluated: 2025-01-20. Review status: criteria provided, single submitter. Criteria: Invitae Variant Classification Sherloc (09022015). Collection method: clinical testing. Allele origin: germline.
Comment: This sequence change replaces leucine, which is neutral and non-polar, with phenylalanine, which is neutral and non-polar, at codon 808 of the PLEC protein (p.Leu808Phe). This variant is present in population databases (rs782086242, gnomAD 0.07%). This variant has not been reported in the literature in individuals affected with PLEC-related conditions. ClinVar contains an entry for this variant (Variation ID: 1359922). Invitae Evidence Modeling of protein sequence and biophysical properties (such as structural, functional, and spatial information, amino acid conservation, physicochemical variation, residue mobility, and thermodynamic stability) has been performed for this missense variant. However, the output from this modeling did not meet the statistical confidence thresholds required to predict the impact of this variant on PLEC protein function. In summary, the available evidence is currently insufficient to determine the role of this variant in disease. Therefore, it has been classified as a Variant of Uncertain Significance.